The following is an entry in ClinVar:

NM_020964.3(EPG5):c.1696A>G (p.Ser566Gly)

Gene: EPG5 (ectopic P-granules 5 autophagy tethering factor; minus strand). Cytogenetic location: 18q21.1.
Variant type: single nucleotide variant.
Coding change: c.1696A>G on transcript NM_020964.3 (MANE Select); coding-DNA position 1696, A replaced by G.
Protein change: p.Ser566Gly; replaces serine 566 with glycine.
Molecular consequence: missense variant.
Genome position (GRCh38, 1-based): chr18:45,944,101, T>C on the plus strand (A>G on the coding strand, the complement: EPG5 is on the minus strand). VCF-style: chr18-45944101-T-C. GRCh37 (hg19) VCF-style: chr18-43524067-T-C.
Other names: c.1696A>G, p.Ser566Gly (LRG_1234t1); short protein forms S566G.
Identifiers: ClinVar variation 582488 (VCV000582488.10), dbSNP rs767119998, ClinGen allele CA8949628.

ClinVar aggregate classification (germline): Uncertain significance. Review status: criteria provided, multiple submitters, no conflicts (2 of 4 stars). 3 submissions from 3 submitters: Uncertain significance (3). Last evaluated 2026-01-27.

Conditions:
Vici syndrome (VICIS). Identifiers: Orphanet 1493, MedGen C1855772, MONDO:0009452, OMIM 242840.

Allele frequency attached by ClinVar (database versions not stated): ExAC 0.00002; TOPMed 0.00002; gnomAD exomes 0.00003.
gnomAD v4.1: 12 of 1,612,684 alleles (0.00074%); highest among the groups gnomAD compares: Admixed American, 0.015%; no homozygotes.

Submissions (3):

GeneDx
Classification: Uncertain significance. Last evaluated: 2026-01-27. Review status: criteria provided, single submitter. Criteria: GeneDx Variant Classification Process June 2021. Collection method: clinical testing. Allele origin: germline.
Comment: In silico analysis suggests that this missense variant does not alter protein structure/function; Has not been previously published as pathogenic or benign to our knowledge

Labcorp Genetics (formerly Invitae), Labcorp
Classification: Uncertain significance for Vici syndrome. Last evaluated: 2024-09-30. Review status: criteria provided, single submitter. Criteria: Invitae Variant Classification Sherloc (09022015). Collection method: clinical testing. Allele origin: germline.
Comment: This sequence change replaces serine, which is neutral and polar, with glycine, which is neutral and non-polar, at codon 566 of the EPG5 protein (p.Ser566Gly). This variant is present in population databases (rs767119998, gnomAD 0.02%). This variant has not been reported in the literature in individuals affected with EPG5-related conditions. ClinVar contains an entry for this variant (Variation ID: 582488). Invitae Evidence Modeling of protein sequence and biophysical properties (such as structural, functional, and spatial information, amino acid conservation, physicochemical variation, residue mobility, and thermodynamic stability) indicates that this missense variant is expected to disrupt EPG5 protein function with a positive predictive value of 80%. In summary, the available evidence is currently insufficient to determine the role of this variant in disease. Therefore, it has been classified as a Variant of Uncertain Significance.

Baylor Genetics
Classification: Uncertain significance for Vici syndrome. Last evaluated: 2018-04-26. Review status: criteria provided, single submitter. Criteria: ACMG Guidelines, 2015. Collection method: clinical testing. Allele origin: paternal. Affected: yes.
Comment: This variant was determined to be of uncertain significance according to ACMG Guidelines, 2015 [PMID:25741868].